The following is an entry in ClinVar:

ClinVar aggregate classification (germline): Uncertain significance. Review status: criteria provided, single submitter (1 of 4 stars). 2 submissions from 2 submitters: Uncertain significance (1). 1 of the submissions does not count toward it. Last evaluated 2025-07-03.

Conditions:
Glycogen storage disease, type V (GSD5). Also called: MCARDLE DISEASE; MUSCLE GLYCOGEN PHOSPHORYLASE DEFICIENCY; MYOPHOSPHORYLASE DEFICIENCY; PYGM DEFICIENCY; McArdle type glycogen storage disease. Identifiers: Orphanet 368, MedGen C0017924, MONDO:0009293, OMIM 232600.

Submissions (2):

Women's Health and Genetics/Laboratory Corporation of America, LabCorp
Classification: Uncertain significance. Last evaluated: 2025-07-03. Review status: criteria provided, single submitter. Criteria: LabCorp Variant Classification Summary - May 2015. Collection method: clinical testing. Allele origin: germline.
Comment: Variant summary: PYGM c.2312+3G>C alters a conserved nucleotide located close to a canonical splice site and therefore could affect mRNA splicing, leading to a significantly altered protein sequence. Several computational tools predict a significant impact on normal splicing: Two predict the variant abolishes a 5' splicing donor site. Two predict the variant weakens a 5' donor site. However, these predictions have yet to be confirmed by functional studies. The variant was absent in 251458 control chromosomes. c.2312+3G>C has been observed in individuals affected with Glycogen Storage Disease, Type V (Aquaron_2007). These data indicate that the variant may be associated with disease. To our knowledge, no experimental evidence demonstrating an impact on protein function has been reported. The following publications have been ascertained in the context of this evaluation (PMID: 17324573, 25914343). ClinVar contains an entry for this variant (Variation ID: 554419). Based on the evidence outlined above, the variant was classified as VUS-possibly pathogenic.

Counsyl
Classification: Uncertain significance for Glycogen storage disease, type V. Last evaluated: 2017-10-18. Review status: no assertion criteria provided. Collection method: clinical testing. Allele origin: unknown. Not counted in ClinVar's aggregate classification.

Literature cited by the submitters: PubMed 25914343 (cited by Women's Health and Genetics/Laboratory Corporation of America, LabCorp); PubMed 17324573 (cited by Women's Health and Genetics/Laboratory Corporation of America, LabCorp and Counsyl); PubMed 25525159 (cited by Counsyl).

NM_005609.4(PYGM):c.2312+3G>C

Gene: PYGM (glycogen phosphorylase, muscle associated; minus strand). Cytogenetic location: 11q13.1.
Variant type: single nucleotide variant.
Coding change: c.2312+3G>C on transcript NM_005609.4 (MANE Select); 3 bases into the intron after coding-DNA position 2312, G replaced by C.
Molecular consequence: intron variant.
Genome position (GRCh38, 1-based): chr11:64,747,221, C>G on the plus strand (G>C on the coding strand, the complement: PYGM is on the minus strand). VCF-style: chr11-64747221-C-G. GRCh37 (hg19) VCF-style: chr11-64514693-C-G.
Other names: c.2048+3G>C (NM_001164716.1).
Identifiers: ClinVar variation 554419 (VCV000554419.4), dbSNP rs1555133430, ClinGen allele CA658822240.
Genomic context (GRCh38, chr11:64,747,221, plus strand): 5'-CACACCTGAGCCTCGATCTGCCCTGCGGCCCCACCTGAGTGATTCCCGGGCCAACCAGCT[C>G]ACCGGTCATGGTGCATGAGCATATTGACAATGTCCTTGAACAGGTCGGGCTGTTTGGGGG-3'